The following is an entry in ClinVar:

NM_006265.3(RAD21):c.375-6T>C

Gene: RAD21 (RAD21 cohesin complex component; minus strand). Cytogenetic location: 8q24.11.
Variant type: single nucleotide variant.
Coding change: c.375-6T>C on transcript NM_006265.3 (MANE Select); 6 bases into the intron before coding-DNA position 375, T replaced by C.
Molecular consequence: intron variant.
Genome position (GRCh38, 1-based): chr8:116,858,464, A>G on the plus strand (T>C on the coding strand, the complement: RAD21 is on the minus strand). VCF-style: chr8-116858464-A-G. GRCh37 (hg19) VCF-style: chr8-117870703-A-G.
Identifiers: ClinVar variation 4692626 (VCV004692626.1).

ClinVar aggregate classification (germline): Uncertain significance (1 of 4 stars; one submission).

Conditions:
Cornelia de Lange syndrome 4 (CDLS4). Also called: CORNELIA DE LANGE SYNDROME 4 WITH OR WITHOUT MIDLINE BRAIN DEFECTS; RAD21-Related Cornelia de Lange Syndrome. Identifiers: Orphanet 199, MedGen C3553517, MONDO:0013864, OMIM 614701.

Submission:

Labcorp Genetics (formerly Invitae), Labcorp
Classification: Uncertain significance for Cornelia de Lange syndrome 4. Last evaluated: 2025-11-15. Review status: criteria provided, single submitter. Criteria: Invitae Variant Classification Sherloc (09022015). Collection method: clinical testing. Allele origin: germline.
Comment: This sequence change falls in intron 4 of the RAD21 gene. It does not directly change the encoded amino acid sequence of the RAD21 protein. This variant is not present in population databases (gnomAD no frequency). This variant has not been reported in the literature in individuals affected with RAD21-related conditions. Algorithms developed to predict the effect of sequence changes on RNA splicing suggest that this variant may disrupt the consensus splice site. In summary, the available evidence is currently insufficient to determine the role of this variant in disease. Therefore, it has been classified as a Variant of Uncertain Significance.